The following is an entry in ClinVar:

NM_001089.3(ABCA3):c.4514A>G (p.Glu1505Gly)

Gene: ABCA3 (ATP binding cassette subfamily A member 3; minus strand). Cytogenetic location: 16p13.3.
Variant type: single nucleotide variant.
Coding change: c.4514A>G on transcript NM_001089.3 (MANE Select); coding-DNA position 4514, A replaced by G.
Protein change: p.Glu1505Gly; replaces glutamic acid 1505 with glycine.
Molecular consequence: missense variant.
Genome position (GRCh38, 1-based): chr16:2,278,976, T>C on the plus strand (A>G on the coding strand, the complement: ABCA3 is on the minus strand). VCF-style: chr16-2278976-T-C. GRCh37 (hg19) VCF-style: chr16-2328977-T-C.
Other names: short protein forms E1505G.
Identifiers: ClinVar variation 3657881 (VCV003657881.2).

ClinVar aggregate classification (germline): Uncertain significance (1 of 4 stars; one submission).

Submission:

Labcorp Genetics (formerly Invitae), Labcorp
Classification: Uncertain significance. Last evaluated: 2024-06-26. Review status: criteria provided, single submitter. Criteria: Invitae Variant Classification Sherloc (09022015). Collection method: clinical testing. Allele origin: germline.
Comment: This sequence change replaces glutamic acid, which is acidic and polar, with glycine, which is neutral and non-polar, at codon 1505 of the ABCA3 protein (p.Glu1505Gly). This variant is not present in population databases (gnomAD no frequency). This variant has not been reported in the literature in individuals affected with ABCA3-related conditions. Advanced modeling of protein sequence and biophysical properties (such as structural, functional, and spatial information, amino acid conservation, physicochemical variation, residue mobility, and thermodynamic stability) performed at Invitae indicates that this missense variant is not expected to disrupt ABCA3 protein function with a negative predictive value of 80%. In summary, the available evidence is currently insufficient to determine the role of this variant in disease. Therefore, it has been classified as a Variant of Uncertain Significance.